The following is an entry in ClinVar:

NM_001039348.3(EFEMP1):c.532A>G (p.Thr178Ala)

Gene: EFEMP1 (EGF-like fibulin extracellular matrix protein 1; minus strand). Cytogenetic location: 2p16.1.
Variant type: single nucleotide variant.
Coding change: c.532A>G on transcript NM_001039348.3 (MANE Select); coding-DNA position 532, A replaced by G.
Protein change: p.Thr178Ala; replaces threonine 178 with alanine.
Molecular consequence: missense variant.
Genome position (GRCh38, 1-based): chr2:55,881,720, T>C on the plus strand (A>G on the coding strand, the complement: EFEMP1 is on the minus strand). VCF-style: chr2-55881720-T-C. GRCh37 (hg19) VCF-style: chr2-56108855-T-C.
Other names: c.532A>G, p.Thr178Ala (NM_001039349.3); short protein forms T178A.
Identifiers: ClinVar variation 2995159 (VCV002995159.4), dbSNP rs1185730312, ClinGen allele CA347029664.

ClinVar aggregate classification (germline): Uncertain significance. Review status: criteria provided, multiple submitters, no conflicts (2 of 4 stars). 2 submissions from 2 submitters: Uncertain significance (2). Last evaluated 2023-11-19.

Allele frequency attached by ClinVar (database versions not stated): gnomAD exomes below 0.00001; TOPMed below 0.00001; gnomAD 0.00001.
gnomAD v4.1: 3 of 1,613,800 alleles (0.00019%); no homozygotes.

Submissions (2):

Labcorp Genetics (formerly Invitae), Labcorp
Classification: Uncertain significance. Last evaluated: 2023-11-19. Review status: criteria provided, single submitter. Criteria: Invitae Variant Classification Sherloc (09022015). Collection method: clinical testing. Allele origin: germline.
Comment: This sequence change replaces threonine, which is neutral and polar, with alanine, which is neutral and non-polar, at codon 178 of the EFEMP1 protein (p.Thr178Ala). This variant is present in population databases (no rsID available, gnomAD 0.01%). This variant has not been reported in the literature in individuals affected with EFEMP1-related conditions. Advanced modeling of protein sequence and biophysical properties (such as structural, functional, and spatial information, amino acid conservation, physicochemical variation, residue mobility, and thermodynamic stability) performed at Invitae indicates that this missense variant is not expected to disrupt EFEMP1 protein function with a negative predictive value of 80%. In summary, the available evidence is currently insufficient to determine the role of this variant in disease. Therefore, it has been classified as a Variant of Uncertain Significance.

Blueprint Genetics
Classification: Uncertain significance. Last evaluated: 2022-05-10. Review status: criteria provided, single submitter. Criteria: ACMG Guidelines, 2015. Collection method: clinical testing. Allele origin: germline.